The following is an entry in ClinVar:

NM_001378778.1(MPDZ):c.4955G>T (p.Gly1652Val)

Gene: MPDZ (multiple PDZ domain crumbs cell polarity complex component; minus strand). Cytogenetic location: 9p23.
Variant type: single nucleotide variant.
Coding change: c.4955G>T on transcript NM_001378778.1 (MANE Select); coding-DNA position 4955, G replaced by T.
Protein change: p.Gly1652Val; replaces glycine 1652 with valine.
Molecular consequence: missense variant.
Genome position (GRCh38, 1-based): chr9:13,122,169, C>A on the plus strand (G>T on the coding strand, the complement: MPDZ is on the minus strand). VCF-style: chr9-13122169-C-A. GRCh37 (hg19) VCF-style: chr9-13122168-C-A.
Other names: c.4955G>T (NM_003829.3); c.4856G>T, p.Gly1619Val (NM_001261407.2, NM_001375416.1, NM_001375417.1 and 3 more transcripts); c.4955G>T, p.Gly1652Val (NM_001330637.2, NM_003829.5); c.5054G>T, p.Gly1685Val (NM_001375413.1); c.4745G>T, p.Gly1582Val (NM_001375420.1, NM_001375421.1, NM_001375422.1 and 4 more transcripts); c.4547G>T, p.Gly1516Val (NM_001375427.1); short protein forms G1652V, G1516V, G1619V, G1685V, G1582V.
Identifiers: ClinVar variation 2728127 (VCV002728127.4), dbSNP rs1215992705, ClinGen allele CA372945160.

ClinVar aggregate classification (germline): Uncertain significance. Review status: criteria provided, multiple submitters, no conflicts (2 of 4 stars). 2 submissions from 2 submitters: Uncertain significance (2). Last evaluated 2025-08-11.

Conditions:
Inborn genetic diseases. Identifiers: MedGen C0950123, MeSH D030342.

Allele frequency attached by ClinVar (database versions not stated): gnomAD 0.00001; gnomAD exomes 0.00001; TOPMed 0.00002.
gnomAD v4.1: 9 of 1,613,646 alleles (0.00056%); highest among the groups gnomAD compares: Non-Finnish European, 0.00059%; no homozygotes.

Submissions (2):

Ambry Genetics
Classification: Uncertain significance for Inborn genetic diseases. Last evaluated: 2025-08-11. Review status: criteria provided, single submitter. Criteria: Ambry Variant Classification Scheme 2023. Collection method: clinical testing. Allele origin: germline.

Labcorp Genetics (formerly Invitae), Labcorp
Classification: Uncertain significance. Last evaluated: 2022-12-15. Review status: criteria provided, single submitter. Criteria: Invitae Variant Classification Sherloc (09022015). Collection method: clinical testing. Allele origin: germline.
Comment: This variant has not been reported in the literature in individuals affected with MPDZ-related conditions. In summary, the available evidence is currently insufficient to determine the role of this variant in disease. Therefore, it has been classified as a Variant of Uncertain Significance. Algorithms developed to predict the effect of missense changes on protein structure and function are either unavailable or do not agree on the potential impact of this missense change (SIFT: "Deleterious"; PolyPhen-2: "Benign"; Align-GVGD: "Class C65"). The frequency data for this variant in the population databases is considered unreliable, as metrics indicate poor data quality at this position in the gnomAD database. This sequence change replaces glycine, which is neutral and non-polar, with valine, which is neutral and non-polar, at codon 1652 of the MPDZ protein (p.Gly1652Val).